The following is an entry in ClinVar:

ClinVar aggregate classification (germline): Uncertain significance. Review status: criteria provided, multiple submitters, no conflicts (2 of 4 stars). 2 submissions from 2 submitters: Uncertain significance (2). Last evaluated 2023-04-14.

Conditions:
DICER1-related tumor predisposition. Also called: DICER1-related pleuropulmonary blastoma cancer predisposition syndrome; DICER1 syndrome. Identifiers: Orphanet 284343, MedGen C3839822, MONDO:0100216.

Allele frequency attached by ClinVar (database versions not stated): ExAC 0.00001; gnomAD exomes 0.00001.
gnomAD v4.1: 5 of 1,613,872 alleles (0.00031%); highest among the groups gnomAD compares: Non-Finnish European, 0.00042%; no homozygotes.

Submissions (2):

Labcorp Genetics (formerly Invitae), Labcorp
Classification: Uncertain significance for DICER1-related tumor predisposition. Last evaluated: 2023-04-14. Review status: criteria provided, single submitter. Criteria: Invitae Variant Classification Sherloc (09022015). Collection method: clinical testing. Allele origin: germline.
Comment: In summary, the available evidence is currently insufficient to determine the role of this variant in disease. Therefore, it has been classified as a Variant of Uncertain Significance. Variants that disrupt the consensus splice site are a relatively common cause of aberrant splicing (PMID: 17576681, 9536098). RNA analysis performed to evaluate the impact of this missense change on mRNA splicing indicates it does not significantly alter splicing (Invitae). An algorithm developed to predict the effect of missense changes on protein structure and function (PolyPhen-2) suggests that this variant is likely to be disruptive. This variant has not been reported in the literature in individuals affected with DICER1-related conditions. This variant is present in population databases (rs757277030, gnomAD 0.0009%). This sequence change replaces arginine, which is basic and polar, with lysine, which is basic and polar, at codon 935 of the DICER1 protein (p.Arg935Lys). This variant also falls at the last nucleotide of exon 17, which is part of the consensus splice site for this exon.

Quest Diagnostics Nichols Institute San Juan Capistrano
Classification: Uncertain significance. Last evaluated: 2022-09-28. Review status: criteria provided, single submitter. Criteria: Quest Diagnostics criteria. Collection method: clinical testing. Allele origin: unknown.
Comment: This variant has not been described in online databases. The frequency of this variant in the general population, 0.000004 (1/251354 chromosomes), is uninformative in assessment of its pathogenicity. In the published literature, the variant has been reported in an individual with non-small cell lung cancer (PMID: 31417090 (2019)). Analysis of this variant using bioinformatics tools for the prediction of the effect of amino acid changes on protein structure and function yielded predictions that this variant is damaging. Additional analysis using software algorithms for the prediction of the effect of nucleotide changes on splicing yielded predictions that this variant may affect proper DICER1 mRNA splicing . Based on the available information, we are unable to determine the clinical significance of this variant.

Literature cited by the submitters: PubMed 17576681 (cited by Labcorp Genetics (formerly Invitae), Labcorp); PubMed 9536098 (cited by Labcorp Genetics (formerly Invitae), Labcorp); PubMed 31417090 (cited by Quest Diagnostics Nichols Institute San Juan Capistrano).

NM_177438.3(DICER1):c.2804G>A (p.Arg935Lys)

Gene: DICER1 (dicer 1, ribonuclease III; minus strand). Cytogenetic location: 14q32.13.
Variant type: single nucleotide variant.
Coding change: c.2804G>A on transcript NM_177438.3 (MANE Select); coding-DNA position 2804, G replaced by A.
Protein change: p.Arg935Lys; replaces arginine 935 with lysine.
Molecular consequence: missense variant. On other transcripts: non-coding transcript variant (6).
Genome position (GRCh38, 1-based): chr14:95,107,608, C>T on the plus strand (G>A on the coding strand, the complement: DICER1 is on the minus strand). VCF-style: chr14-95107608-C-T. GRCh37 (hg19) VCF-style: chr14-95573945-C-T.
Other names: c.2804G>A, p.Arg935Lys (NM_001195573.1, NM_001271282.3, NM_001291628.2 and 13 more transcripts); c.2522G>A, p.Arg841Lys (NM_001395686.1); c.2399G>A, p.Arg800Lys (NM_001395687.1, NM_001395688.1, NM_001395689.1 and 2 more transcripts); c.2237G>A, p.Arg746Lys (NM_001395691.1); c.1121G>A, p.Arg374Lys (NM_001395697.1); short protein forms R374K, R746K, R800K, R841K, R935K.
Identifiers: ClinVar variation 2681879 (VCV002681879.4), dbSNP rs757277030, ClinGen allele CA7331181.